The following is an entry in ClinVar:

NM_004656.4(BAP1):c.1901del (p.Ala634fs)

Gene: BAP1 (BRCA1 associated deubiquitinase 1; minus strand). Cytogenetic location: 3p21.1.
Variant type: Deletion.
Coding change: c.1901del on transcript NM_004656.4 (MANE Select); coding-DNA position 1901, one base deleted (C; older notation c.1901delC).
Protein change: p.Ala634fs; shifts the reading frame from alanine 634.
Molecular consequence: frameshift variant.
Genome position (GRCh38, 1-based): chr3:52,402,861, G deleted on the plus strand (C on the coding strand, the reverse complement: BAP1 is on the minus strand). VCF-style (leftmost placement, unchanged base first): chr3-52402860-TG-T. GRCh37 (hg19) VCF-style: chr3-52436876-TG-T.
Other names: c.1847del, p.Ala616fs (NM_001410772.1); short protein forms A634fs, A616fs.
Identifiers: ClinVar variation 5032764 (VCV005032764.1).

ClinVar aggregate classification (germline): Pathogenic (1 of 4 stars; one submission).

Conditions:
Hereditary cancer-predisposing syndrome. Also called: Neoplastic Syndromes, Hereditary; Tumor predisposition; Hereditary neoplastic syndrome; Hereditary Cancer Syndrome. Identifiers: Orphanet 140162, MedGen C0027672, MeSH D009386, MONDO:0015356.

Submission:

Ambry Genetics
Classification: Pathogenic for Hereditary cancer-predisposing syndrome. Last evaluated: 2026-09-09. Review status: criteria provided, single submitter. Criteria: Ambry Variant Classification Scheme 2023. Collection method: clinical testing. Allele origin: germline.
Comment: The c.1901delC pathogenic mutation, located in coding exon 15 of the BAP1 gene, results from a deletion of one nucleotide at nucleotide position 1901, causing a translational frameshift with a predicted alternate stop codon (p.A634Dfs*3). This alteration is expected to result in loss of function by premature protein truncation or nonsense-mediated mRNA decay. As such, this alteration is interpreted as a disease-causing mutation.